The following is an entry in ClinVar:

NM_080669.6(SLC46A1):c.*1392C>A

Genes: SARM1 (sterile alpha and TIR motif containing 1; plus strand), SLC46A1 (solute carrier family 46 member 1; minus strand). Cytogenetic location: 17q11.2.
Variant type: single nucleotide variant.
Coding change: c.*1392C>A on transcript NM_080669.6 (MANE Select); 1392 bases downstream of the stop codon, C replaced by A.
Molecular consequence: 3 prime UTR variant.
Genome position (GRCh38, 1-based): chr17:28,398,264, G>T on the plus strand (C>A on the coding strand, the complement: SLC46A1 is on the minus strand). VCF-style: chr17-28398264-G-T. GRCh37 (hg19) VCF-style: chr17-26725280-G-T.
Other names: c.*1392C>A (NM_001242366.3); c.*1978G>T (NM_015077.4).
Identifiers: ClinVar variation 322385 (VCV000322385.5), dbSNP rs141940033, ClinGen allele CA10645181.
Genomic context (GRCh38, chr17:28,398,264, plus strand): 5'-TCCCTCCTGAGGTCCCCAAGGGCAGTATTCAGAGAGGTTTCCTGCGTTTTATTTCTATTT[G>T]GTATACCCTCCACTGTTGTCCACTGCCCTGTGTGGCCTTCTGGTTGACCTCTGCCCGATC-3'

ClinVar aggregate classification (germline): Likely benign (1 of 4 stars; one submission).

Conditions:
Congenital defect of folate absorption. Also called: Hereditary Folate Malabsorption. Identifiers: Orphanet 90045, MedGen C0342705, MONDO:0009238, OMIM 229050.

Allele frequency attached by ClinVar (database versions not stated): TOPMed 0.00008; gnomAD 0.00011 and 0.00042; 1000 Genomes Project 30x 0.00219; 1000 Genomes Project 0.00260.

Submission:

Illumina Laboratory Services, Illumina
Classification: Likely benign for Congenital defect of folate absorption. Last evaluated: 2018-01-12. Review status: criteria provided, single submitter. Criteria: ICSL Variant Classification Criteria 13 December 2019. Collection method: clinical testing. Allele origin: germline.
Comment: This variant was observed in the ICSL laboratory as part of a predisposition screen in an ostensibly healthy population. It had not been previously curated by ICSL or reported in the Human Gene Mutation Database (HGMD: prior to June 1st, 2018), and was therefore a candidate for classification through an automated scoring system. Utilizing variant allele frequency, disease prevalence and penetrance estimates, and inheritance mode, an automated score was calculated to assess if this variant is too frequent to cause the disease. Based on the score and internal cut-off values, a variant classified as likely benign is not then subjected to further curation. The score for this variant resulted in a classification of likely benign for this disease.